The following is an entry in ClinVar:

NM_021035.3(ZNFX1):c.61+46A>G

Gene: ZNFX1 (zinc finger NFX1-type containing 1; minus strand). Cytogenetic location: 20q13.13.
Variant type: single nucleotide variant.
Coding change: c.61+46A>G on transcript NM_021035.3 (MANE Select); 46 bases into the intron after coding-DNA position 61, A replaced by G.
Molecular consequence: intron variant.
Genome position (GRCh38, 1-based): chr20:49,275,733, T>C on the plus strand (A>G on the coding strand, the complement: ZNFX1 is on the minus strand). VCF-style: chr20-49275733-T-C. GRCh37 (hg19) VCF-style: chr20-47892270-T-C.
Identifiers: ClinVar variation 2687968 (VCV002687968.2), dbSNP rs238191, ClinGen allele CA9902721.
Genomic context (GRCh38, chr20:49,275,733, plus strand): 5'-TGAGAGATGCAGACAATCTTAGGTAGGCCTGCTCATTTATAGAGAGCCCTATTTCCTTCT[T>C]TTATTACTAGAATTTCCTTCTCATTAGGTAGGAAACCTTGCTTACCTCTGTGGTTGGTAT-3'

ClinVar aggregate classification (germline): Benign (1 of 4 stars; one submission).

Allele frequency attached by ClinVar (database versions not stated): 1000 Genomes Project 30x 0.59744; 1000 Genomes Project 0.60124; TOPMed 0.66341; gnomAD 0.68386; ESP Exome Variant Server 0.69114; ExAC 0.69693; gnomAD exomes 0.74989.

Submission:

Unidad de Genómica Garrahan, Hospital de Pediatría Garrahan
Classification: Benign. Last evaluated: 2024-01-24. Review status: criteria provided, single submitter. Criteria: ACMG Guidelines, 2015. Collection method: clinical testing. Allele origin: germline. Affected: no. Observed: 81 variant alleles.
Comment: This variant is classified as Benign based on local population frequency. This variant was detected in 85% of patients studied by a panel of primary immunodeficiencies. Number of patients: 81. Only high quality variants are reported.